The following is an entry in ClinVar:

NM_015100.4(POGZ):c.1505G>A (p.Arg502Lys)

Gene: POGZ (pogo transposable element derived with ZNF domain; minus strand). Cytogenetic location: 1q21.3.
Variant type: single nucleotide variant.
Coding change: c.1505G>A on transcript NM_015100.4 (MANE Select); coding-DNA position 1505, G replaced by A.
Protein change: p.Arg502Lys; replaces arginine 502 with lysine.
Molecular consequence: missense variant.
Genome position (GRCh38, 1-based): chr1:151,423,967, C>T on the plus strand (G>A on the coding strand, the complement: POGZ is on the minus strand). VCF-style: chr1-151423967-C-T. GRCh37 (hg19) VCF-style: chr1-151396443-C-T.
Other names: c.1478G>A, p.Arg493Lys (NM_001194937.2); c.1319G>A, p.Arg440Lys (NM_001194938.2); c.1220G>A, p.Arg407Lys (NM_145796.4); c.1346G>A, p.Arg449Lys (NM_207171.2); short protein forms R502K, R407K, R440K, R449K, R493K.
Identifiers: ClinVar variation 589343 (VCV000589343.49), dbSNP rs146816269, ClinGen allele CA1091433.
Genomic context (GRCh38, chr1:151,423,967, plus strand): 5'-TTCTCTTGTTCAAGGTAACTTCCAAGGCTCTTAAACACTTACCGAATATTGTTTTTTAGC[C>T]TTTTGGTACAATGTGGGCATCGGAAAGATGTGGCGACCTTAGGGAAATTTGTGAGCTGGG-3'
Protein context (NP_055915.2, residues 492-512): TSFRCPHCTK[Arg502Lys]LKNNIRFMNH

ClinVar aggregate classification (germline): Conflicting classifications of pathogenicity. Review status: criteria provided, conflicting classifications (1 of 4 stars). 4 submissions from 4 submitters: Uncertain significance (2); Likely benign (2). Last evaluated 2025-02-16.

Conditions:
Inborn genetic diseases. Identifiers: MedGen C0950123, MeSH D030342.

Allele frequency attached by ClinVar (database versions not stated): gnomAD 0.00027 and 0.00026; ExAC 0.00012; gnomAD exomes 0.00012 and 0.00030; ESP Exome Variant Server 0.00015; 1000 Genomes Project 0.00020; TOPMed 0.00022; 1000 Genomes Project 30x 0.00031.
gnomAD v4.1: 468 of 1,613,580 alleles (0.029%); highest among the groups gnomAD compares: Non-Finnish European, 0.037%; no homozygotes.

Submissions (4):

Laboratory of Genetics, Children's Clinical University Hospital Latvia
Classification: Likely benign. Last evaluated: 2025-02-16. Review status: criteria provided, single submitter. Criteria: ACMG Guidelines, 2015. Collection method: clinical testing. Allele origin: germline. Affected: yes.

GeneDx
Classification: Likely benign. Last evaluated: 2019-12-03. Review status: criteria provided, single submitter. Criteria: GeneDx Variant Classification Process June 2021. Collection method: clinical testing. Allele origin: germline. Affected: yes.

CeGaT Center for Human Genetics Tuebingen
Classification: Uncertain significance. Last evaluated: 2019-03-01. Review status: criteria provided, single submitter. Criteria: CeGaT Center For Human Genetics Tuebingen Variant Classification Criteria Version 2. Collection method: clinical testing. Allele origin: germline. Affected: yes. Observed: 6 variant alleles.

Ambry Genetics
Classification: Uncertain significance for Inborn genetic diseases. Last evaluated: 2016-07-27. Review status: criteria provided, single submitter. Criteria: Ambry Variant Classification Scheme 2023. Collection method: clinical testing. Allele origin: germline.
Comment: The p.R502K variant (also known as c.1505G>A), located in coding exon 8 of the POGZ gene, results from a G to A substitution at nucleotide position 1505. The arginine at codon 502 is replaced by lysine, an amino acid with highly similar properties. This variant was previously reported in the SNPDatabase as rs146816269. Based on data from the 1000 Genomes Project, the A allele has an overall frequency of approximately 0.05% (1/2098) total alleles studied. The highest observed frequency was 0.59% (1/170) CEPH alleles. Based on data from the NHLBI Exome Sequencing Project (ESP), the A allele has an overall frequency of approximately 0.02% (2/13006) total alleles studied and 0.02% (2/8600) European American alleles. This amino acid position is well conserved in available vertebrate species. In addition, this alteration is predicted to be tolerated by in silico analysis. Since supporting evidence is limited at this time, the clinical significance of this alteration remains unclear.